The following is an entry in ClinVar:

NM_001363066.2(CLDN5):c.384C>A (p.Cys128Ter)

Gene: CLDN5 (claudin 5; minus strand). Cytogenetic location: 22q11.21.
Variant type: single nucleotide variant.
Coding change: c.384C>A on transcript NM_001363066.2 (MANE Select); coding-DNA position 384, C replaced by A.
Protein change: p.Cys128Ter; replaces cysteine 128 with a stop codon.
Molecular consequence: nonsense.
Genome position (GRCh38, 1-based): chr22:19,523,872, G>T on the plus strand (C>A on the coding strand, the complement: CLDN5 is on the minus strand). VCF-style: chr22-19523872-G-T. GRCh37 (hg19) VCF-style: chr22-19511395-G-T.
Other names: c.639C>A, p.Cys213Ter (NM_001130861.1, NM_001363067.2, NM_003277.4); short protein forms C128*, C213*.
Identifiers: ClinVar variation 3897489 (VCV003897489.2).

ClinVar aggregate classification (germline): Uncertain significance (1 of 4 stars; one submission).

Submission:

GeneDx
Classification: Uncertain significance. Last evaluated: 2026-02-04. Review status: criteria provided, single submitter. Criteria: GeneDx Variant Classification Process June 2021. Collection method: clinical testing. Allele origin: germline.
Comment: Not observed at significant frequency in large population cohorts (gnomAD); Has not been previously published as pathogenic or benign to our knowledge; Nonsense variant predicted to result in protein truncation as the last 91 amino acid(s) are lost with an unclear effect on protein function